The following is an entry in ClinVar:

NM_003076.5(SMARCD1):c.801C>T (p.Thr267=)

Gene: SMARCD1 (SWI/SNF related BAF chromatin remodeling complex subunit D1; plus strand). Cytogenetic location: 12q13.12.
Variant type: single nucleotide variant.
Coding change: c.801C>T on transcript NM_003076.5 (MANE Select); coding-DNA position 801, C replaced by T.
Protein change: p.Thr267=; no amino-acid change (threonine 267 retained).
Molecular consequence: synonymous variant.
Genome position (GRCh38, 1-based): chr12:50,089,913, C>T. VCF-style: chr12-50089913-C-T. GRCh37 (hg19) VCF-style: chr12-50483696-C-T.
Other names: c.801C>T, p.Thr267= (NM_139071.3).
Identifiers: ClinVar variation 5041364 (VCV005041364.1).

ClinVar aggregate classification (germline): Likely benign (1 of 4 stars; one submission).

gnomAD v4.1: 17 of 1,614,020 alleles (0.0011%); highest among the groups gnomAD compares: Admixed American, 0.017%; no homozygotes.

Submission:

CeGaT Center for Human Genetics Tuebingen
Classification: Likely benign. Last evaluated: 2026-09-01. Review status: criteria provided, single submitter. Criteria: CeGaT Center For Human Genetics Tuebingen Variant Classification Criteria Version 2. Collection method: clinical testing. Allele origin: germline. Affected: yes. Observed: 1 variant allele.
Comment: SMARCD1: BP4, BP7